The following is an entry in ClinVar:

ClinVar aggregate classification (germline): Uncertain significance (1 of 4 stars; one submission).

Conditions:
Factor H deficiency (CFHD). Also called: COMPLEMENT FACTOR H DEFICIENCY; CFH DEFICIENCY. Identifiers: Orphanet 200421, MedGen C0398777, MONDO:0012350, OMIM 609814.

gnomAD v4.1: 6 of 1,613,212 alleles (0.00037%); highest among the groups gnomAD compares: African/African-American, 0.0013%; no homozygotes.

Submission:

Genomenon, Inc
Classification: Uncertain significance for Factor H deficiency. Last evaluated: 2026-09-17. Review status: criteria provided, single submitter. Criteria: Genomenon Sequence Variant Interpretation Standards - Updated. Collection method: curation. Allele origin: germline. Affected: yes.
Comment: CFH p.Gly334Ala (c.1001G>C) is a missense variant that changes the amino acid at codon 334 from glycine to alanine. This variant has been observed in at least one proband affected with complement factor H deficiency (PMID: 29327071). It is absent or not present at a significant frequency in gnomAD. In silico models predict that this variant is not damaging. In conclusion, we classify CFH p.Gly334Ala (c.1001G>C) as a variant of uncertain significance.

Literature cited by the submitters: PubMed 29327071.

NM_000186.4(CFH):c.1001G>C (p.Gly334Ala)

Gene: CFH (complement factor H; plus strand). Cytogenetic location: 1q31.3.
Variant type: single nucleotide variant.
Coding change: c.1001G>C on transcript NM_000186.4 (MANE Select); coding-DNA position 1001, G replaced by C.
Protein change: p.Gly334Ala; replaces glycine 334 with alanine.
Molecular consequence: missense variant.
Genome position (GRCh38, 1-based): chr1:196,689,456, G>C. VCF-style: chr1-196689456-G-C. GRCh37 (hg19) VCF-style: chr1-196658586-G-C.
Other names: c.1001G>C, p.Gly334Ala (NM_001014975.3); short protein forms G334A.
Identifiers: ClinVar variation 4291344 (VCV004291344.2).
Genomic context (GRCh38, chr1:196,689,456, plus strand): 5'-TTTTTTTAAAATTTTTATTGCAAGTGAAACCTTGTGATTATCCAGACATTAAACATGGAG[G>C]TCTATATCATGAGAATATGCGTAGACCATACTTTCCAGTAGCTGTAGGAAAATATTACTC-3'
Protein context (NP_000177.2, residues 324-344): PCDYPDIKHG[Gly334Ala]LYHENMRRPY